The following is an entry in ClinVar:

NM_001039141.3(TRIOBP):c.1243T>C (p.Ser415Pro)

Gene: TRIOBP (TRIO and F-actin binding protein; plus strand). Cytogenetic location: 22q13.1.
Variant type: single nucleotide variant.
Coding change: c.1243T>C on transcript NM_001039141.3 (MANE Select); coding-DNA position 1243, T replaced by C.
Protein change: p.Ser415Pro; replaces serine 415 with proline.
Molecular consequence: missense variant.
Genome position (GRCh38, 1-based): chr22:37,723,799, T>C. VCF-style: chr22-37723799-T-C. GRCh37 (hg19) VCF-style: chr22-38119806-T-C.
Other names: short protein forms S415P.
Identifiers: ClinVar variation 1389669 (VCV001389669.6), dbSNP rs768702053, ClinGen allele CA10223556.

ClinVar aggregate classification (germline): Uncertain significance (1 of 4 stars; one submission).

Allele frequency attached by ClinVar (database versions not stated): ExAC 0.00001; gnomAD exomes 0.00001.

Submission:

Labcorp Genetics (formerly Invitae), Labcorp
Classification: Uncertain significance. Last evaluated: 2021-10-27. Review status: criteria provided, single submitter. Criteria: Invitae Variant Classification Sherloc (09022015). Collection method: clinical testing. Allele origin: germline.
Comment: In summary, the available evidence is currently insufficient to determine the role of this variant in disease. Therefore, it has been classified as a Variant of Uncertain Significance. This sequence change replaces serine, a(n) neutral and polar amino acid, with proline, a(n) neutral and non-polar amino acid, at codon 415 of the TRIOBP protein (p.Ser415Pro). This variant is present in population databases (rs768702053, gnomAD 0.002%). This variant has not been reported in the literature in individuals affected with TRIOBP-related conditions. Algorithms developed to predict the effect of missense changes on protein structure and function output the following: SIFT: "Deleterious"; PolyPhen-2: "Possibly Damaging"; Align-GVGD: "Class C0". The proline amino acid residue is found in multiple mammalian species, which suggests that this missense change does not adversely affect protein function.